The following is an entry in ClinVar:

ClinVar aggregate classification (germline): Uncertain significance (1 of 4 stars; one submission).

Allele frequency attached by ClinVar (database versions not stated): gnomAD exomes below 0.00001.
gnomAD v4.1: 6 of 1,614,242 alleles (0.00037%); highest among the groups gnomAD compares: Non-Finnish European, 0.00051%; no homozygotes.

Submission:

CeGaT Center for Human Genetics Tuebingen
Classification: Uncertain significance. Last evaluated: 2024-05-01. Review status: criteria provided, single submitter. Criteria: CeGaT Center For Human Genetics Tuebingen Variant Classification Criteria Version 2. Collection method: clinical testing. Allele origin: germline. Affected: yes. Observed: 1 variant allele.
Comment: BPTF: PM2

NM_182641.4(BPTF):c.7530G>T (p.Gln2510His)

Gene: BPTF (bromodomain PHD finger transcription factor; plus strand). Cytogenetic location: 17q24.2.
Variant type: single nucleotide variant.
Coding change: c.7530G>T on transcript NM_182641.4 (MANE Select); coding-DNA position 7530, G replaced by T.
Protein change: p.Gln2510His; replaces glutamine 2510 with histidine.
Molecular consequence: missense variant. On other transcripts: intron variant (1).
Genome position (GRCh38, 1-based): chr17:67,946,238, G>T. VCF-style: chr17-67946238-G-T. GRCh37 (hg19) VCF-style: chr17-65942354-G-T.
Other names: c.7566+342G>T (NM_004459.7); short protein forms Q2510H.
Identifiers: ClinVar variation 3239274 (VCV003239274.19), dbSNP rs2065804531.
Genomic context (GRCh38, chr17:67,946,238, plus strand): 5'-TACAGTGCAGGCAGCCAGTGTGCAAGAGCAGTTGCAAAGGGTTCAGCAACTCAGGGATCA[G>T]CAGCAAAAGAAGAAACAGCAACAGATAGAAATTAAGCGTGAACACACCCTCCAAGCTTCT-3'
Protein context (NP_872579.2, residues 2500-2520): QLQRVQQLRD[Gln2510His]QQKKKQQQIE